The following is an entry in ClinVar:

ClinVar aggregate classification (germline): Uncertain significance (1 of 4 stars; one submission).

Conditions:
Cardiovascular phenotype. Identifiers: MedGen CN230736.

Allele frequency attached by ClinVar (database versions not stated): TOPMed below 0.00001.

Submission:

Ambry Genetics
Classification: Uncertain significance for Cardiovascular phenotype. Last evaluated: 2023-09-05. Review status: criteria provided, single submitter. Criteria: Ambry Variant Classification Scheme 2023. Collection method: clinical testing. Allele origin: germline.
Comment: The p.V1177F variant (also known as c.3529G>T), located in coding exon 2 of the ZNF469 gene, results from a G to T substitution at nucleotide position 3529. The valine at codon 1177 is replaced by phenylalanine, an amino acid with highly similar properties. This amino acid position is conserved. In addition, this alteration is predicted to be tolerated by in silico analysis. Since supporting evidence is limited at this time, the clinical significance of this alteration remains unclear.

NM_001367624.2(ZNF469):c.3613G>T (p.Val1205Phe)

Gene: ZNF469 (zinc finger protein 469; plus strand). Cytogenetic location: 16q24.2.
Variant type: single nucleotide variant.
Coding change: c.3613G>T on transcript NM_001367624.2 (MANE Select); coding-DNA position 3613, G replaced by T.
Protein change: p.Val1205Phe; replaces valine 1205 with phenylalanine.
Molecular consequence: missense variant.
Genome position (GRCh38, 1-based): chr16:88,431,083, G>T. VCF-style: chr16-88431083-G-T. GRCh37 (hg19) VCF-style: chr16-88497491-G-T.
Other names: NM_001127464.1:c.3529G>T; short protein forms V1205F.
Identifiers: ClinVar variation 2624531 (VCV002624531.2), dbSNP rs1475181807, ClinGen allele CA397085485.